The following is an entry in ClinVar:

ClinVar aggregate classification (germline): Likely benign (1 of 4 stars; one submission).

gnomAD v4.1: 1,559 of 1,600,360 alleles (0.097%); highest among the groups gnomAD compares: African/African-American, 1.1%; 7 homozygotes.

Submission:

CeGaT Center for Human Genetics Tuebingen
Classification: Likely benign. Last evaluated: 2026-06-01. Review status: criteria provided, single submitter. Criteria: CeGaT Center For Human Genetics Tuebingen Variant Classification Criteria Version 2. Collection method: clinical testing. Allele origin: germline. Affected: yes. Observed: 1 variant allele.
Comment: TTC12: BP4, BS1

NM_017868.4(TTC12):c.1588A>C (p.Asn530His)

Gene: TTC12 (tetratricopeptide repeat domain 12; plus strand). Cytogenetic location: 11q23.2.
Variant type: single nucleotide variant.
Coding change: c.1588A>C on transcript NM_017868.4 (MANE Select); coding-DNA position 1588, A replaced by C.
Protein change: p.Asn530His; replaces asparagine 530 with histidine.
Molecular consequence: missense variant. On other transcripts: non-coding transcript variant (3).
Genome position (GRCh38, 1-based): chr11:113,359,982, A>C. VCF-style: chr11-113359982-A-C. GRCh37 (hg19) VCF-style: chr11-113230704-A-C.
Other names: c.1606A>C, p.Asn536His (NM_001318533.2); c.1513A>C, p.Asn505His (NM_001352037.2); c.1591A>C, p.Asn531His (NM_001378063.1); c.1588A>C, p.Asn530His (NM_001378064.1, NM_001378065.1); short protein forms N505H, N530H, N531H, N536H.
Identifiers: ClinVar variation 5038658 (VCV005038658.1).